The following is an entry in ClinVar:

ClinVar aggregate classification (germline): Uncertain significance. Review status: criteria provided, multiple submitters, no conflicts (2 of 4 stars). 2 submissions from 2 submitters: Uncertain significance (2). Last evaluated 2025-08-30.

Conditions:
DNAH1-related disorder. Also called: DNAH1-related condition.

gnomAD v4.1: 3 of 1,605,670 alleles (0.00019%); highest among the groups gnomAD compares: Non-Finnish European, 0.00026%; no homozygotes.

Submissions (2):

Ambry Genetics
Classification: Uncertain significance. Last evaluated: 2025-08-30. Review status: criteria provided, single submitter. Criteria: Ambry Variant Classification Scheme 2023. Collection method: clinical testing. Allele origin: germline.

PreventionGenetics, part of Exact Sciences
Classification: Uncertain significance for DNAH1-related condition. Last evaluated: 2025-05-27. Review status: criteria provided, single submitter. Criteria: ACMG Guidelines, 2015. Collection method: clinical testing. Allele origin: germline.
Comment: The DNAH1 c.1552G>T variant is predicted to result in the amino acid substitution p.Ala518Ser. To our knowledge, this variant has not been reported in the literature. This variant is reported in 0.00083% of alleles in individuals of European (Non-Finnish) descent in gnomAD. At this time, the clinical significance of this variant is uncertain due to the absence of conclusive functional and genetic evidence.

NM_015512.5(DNAH1):c.1552G>T (p.Ala518Ser)

Gene: DNAH1 (dynein axonemal heavy chain 1; plus strand). Cytogenetic location: 3p21.1.
Variant type: single nucleotide variant.
Coding change: c.1552G>T on transcript NM_015512.5 (MANE Select); coding-DNA position 1552, G replaced by T.
Protein change: p.Ala518Ser; replaces alanine 518 with serine.
Molecular consequence: missense variant.
Genome position (GRCh38, 1-based): chr3:52,345,602, G>T. VCF-style: chr3-52345602-G-T. GRCh37 (hg19) VCF-style: chr3-52379618-G-T.
Other names: short protein forms A518S.
Identifiers: ClinVar variation 4241883 (VCV004241883.2).